The following is an entry in ClinVar:

NM_001042492.3(NF1):c.7015G>T (p.Glu2339Ter)

Gene: NF1 (neurofibromin 1; plus strand). Cytogenetic location: 17q11.2.
Variant type: single nucleotide variant.
Coding change: c.7015G>T on transcript NM_001042492.3 (MANE Select); coding-DNA position 7015, G replaced by T.
Protein change: p.Glu2339Ter; replaces glutamic acid 2339 with a stop codon.
Molecular consequence: nonsense.
Genome position (GRCh38, 1-based): chr17:31,340,598, G>T. VCF-style: chr17-31340598-G-T. GRCh37 (hg19) VCF-style: chr17-29667616-G-T.
Other names: c.6952G>T, p.Glu2318Ter (NM_000267.4); short protein forms E2318*, E2339*.
Identifiers: ClinVar variation 404576 (VCV000404576.9), dbSNP rs1060500359, ClinGen allele CA16615680.

ClinVar aggregate classification (germline): Pathogenic. Review status: criteria provided, multiple submitters, no conflicts (2 of 4 stars). 3 submissions from 3 submitters: Pathogenic (3). Last evaluated 2024-10-25.

Conditions:
Hereditary cancer-predisposing syndrome. Also called: Tumor predisposition; Neoplastic Syndromes, Hereditary; Hereditary Cancer Syndrome; Hereditary neoplastic syndrome. Identifiers: Orphanet 140162, MedGen C0027672, MeSH D009386, MONDO:0015356.
Cardiovascular phenotype. Identifiers: MedGen CN230736.
Neurofibromatosis, type 1 (NF1). Also called: Neurofibromatosis, type I; NEUROFIBROMATOSIS, TYPE I, SOMATIC; Peripheral type neurofibromatosis; VON RECKLINGHAUSEN DISEASE. Identifiers: Orphanet 636, MedGen C0027831, MONDO:0018975, OMIM 162200. Disease mechanism: loss of function.

Submissions (3):

Ambry Genetics
Classification: Pathogenic for Cardiovascular phenotype; Hereditary cancer-predisposing syndrome. Last evaluated: 2024-10-25. Review status: criteria provided, single submitter. Criteria: Ambry Variant Classification Scheme 2023. Collection method: clinical testing. Allele origin: germline.
Comment: The p.E2318* pathogenic mutation (also known as c.6952G>T), located in coding exon 46 of the NF1 gene, results from a G to T substitution at nucleotide position 6952. This changes the amino acid from a glutamic acid to a stop codon within coding exon 46. This variant is considered to be rare based on population cohorts in the Genome Aggregation Database (gnomAD). This alteration is expected to result in loss of function by premature protein truncation or nonsense-mediated mRNA decay. As such, this alteration is interpreted as a disease-causing mutation.

ARUP Laboratories, Molecular Genetics and Genomics, ARUP Laboratories
Classification: Pathogenic. Last evaluated: 2022-06-26. Review status: criteria provided, single submitter. Criteria: ARUP Molecular Germline Variant Investigation Process 2021. Collection method: clinical testing. Allele origin: germline.
Comment: The NF1 c.7015G>T; p.Glu2339Ter variant (rs1060500359), also known as NM_000267.3: c.6952G>T; p.Glu2318Ter, is reported in the literature in an individual with NF1 (Castellanos 2020), and is reported in ClinVar (Variation ID: 404576). This variant is absent from the Genome Aggregation Database, indicating it is not a common polymorphism. This variant induces an early termination codon and is predicted to result in a truncated protein or mRNA subject to nonsense-mediated decay. Based on available information, this variant is considered to be pathogenic. References: Castellanos E et al. Mutational spectrum by phenotype: panel-based NGS testing of patients with clinical suspicion of RASopathy and children with multiple cafe-au-lait macules. Clin Genet. 2020 Feb;97(2):264-275. PMID: 31573083

Labcorp Genetics (formerly Invitae), Labcorp
Classification: Pathogenic for Neurofibromatosis, type 1. Last evaluated: 2020-05-27. Review status: criteria provided, single submitter. Criteria: Invitae Variant Classification Sherloc (09022015). Collection method: clinical testing. Allele origin: germline.
Comment: This sequence change creates a premature translational stop signal (p.Glu2318*) in the NF1 gene. It is expected to result in an absent or disrupted protein product. This variant has not been reported in the literature in individuals with NF1-related conditions. ClinVar contains an entry for this variant (Variation ID: 404576). Loss-of-function variants in NF1 are known to be pathogenic (PMID: 10712197, 23913538). For these reasons, this variant has been classified as Pathogenic. This variant is not present in population databases (ExAC no frequency).

Literature cited by the submitters: PubMed 10712197 (cited by Labcorp Genetics (formerly Invitae), Labcorp); PubMed 23913538 (cited by Labcorp Genetics (formerly Invitae), Labcorp).